The following is an entry in ClinVar:

ClinVar aggregate classification (germline): Uncertain significance (1 of 4 stars; one submission).

Conditions:
Compton-North congenital myopathy (CMYO12). Identifiers: Orphanet 210163, MedGen C2675527, MONDO:0012929, OMIM 612540.

Allele frequency attached by ClinVar (database versions not stated): gnomAD exomes below 0.00001.

Submission:

Labcorp Genetics (formerly Invitae), Labcorp
Classification: Uncertain significance for Compton-North congenital myopathy. Last evaluated: 2021-08-28. Review status: criteria provided, single submitter. Criteria: Invitae Variant Classification Sherloc (09022015). Collection method: clinical testing. Allele origin: germline.
Comment: This sequence change replaces isoleucine with threonine at codon 424 of the CNTN1 protein (p.Ile424Thr). The isoleucine residue is moderately conserved and there is a moderate physicochemical difference between isoleucine and threonine. This variant is not present in population databases (ExAC no frequency). This variant has not been reported in the literature in individuals affected with CNTN1-related conditions. Advanced modeling of protein sequence and biophysical properties (such as structural, functional, and spatial information, amino acid conservation, physicochemical variation, residue mobility, and thermodynamic stability) performed at Invitae indicates that this missense variant is not expected to disrupt CNTN1 protein function. In summary, the available evidence is currently insufficient to determine the role of this variant in disease. Therefore, it has been classified as a Variant of Uncertain Significance.

NM_001843.4(CNTN1):c.1271T>C (p.Ile424Thr)

Gene: CNTN1 (contactin 1; plus strand). Cytogenetic location: 12q12.
Variant type: single nucleotide variant.
Coding change: c.1271T>C on transcript NM_001843.4 (MANE Select); coding-DNA position 1271, T replaced by C.
Protein change: p.Ile424Thr; replaces isoleucine 424 with threonine.
Molecular consequence: missense variant.
Genome position (GRCh38, 1-based): chr12:40,939,377, T>C. VCF-style: chr12-40939377-T-C. GRCh37 (hg19) VCF-style: chr12-41333179-T-C.
Other names: c.1271T>C, p.Ile424Thr (NM_001256063.2, NM_001256064.2); c.1238T>C, p.Ile413Thr (NM_175038.2); short protein forms I413T, I424T.
Identifiers: ClinVar variation 1004918 (VCV001004918.6), dbSNP rs1269192212, ClinGen allele CA384424243.